The following is an entry in ClinVar:

ClinVar aggregate classification (germline): Benign. Review status: criteria provided, multiple submitters, no conflicts (2 of 4 stars). 3 submissions from 3 submitters: Benign (3). Last evaluated 2018-06-26.

Conditions:
Neuropathy, hereditary sensory and autonomic, type 2B (HSAN2B). Also called: RETREG1-Related HSAN2 (HSAN2B). Identifiers: Orphanet 970, MedGen C2751092, MONDO:0013142, OMIM 613115.

Allele frequency attached by ClinVar (database versions not stated): TOPMed 0.28754; gnomAD 0.29733; 1000 Genomes Project 30x 0.32058; 1000 Genomes Project 0.32228.
gnomAD v4.1: 197,269 of 617,616 alleles (32%); highest among the groups gnomAD compares: East Asian, 47%; 33,025 homozygotes.

Submissions (6):

GeneDx
Classification: Benign. Last evaluated: 2018-06-26. Review status: criteria provided, single submitter. Criteria: GeneDx Variant Classification Process June 2021. Collection method: clinical testing. Allele origin: germline. Affected: yes.

Illumina Laboratory Services, Illumina
Classification: Benign for Neuropathy, hereditary sensory and autonomic, type 2B. Last evaluated: 2018-01-13. Review status: criteria provided, single submitter. Criteria: ICSL Variant Classification Criteria 13 December 2019. Collection method: clinical testing. Allele origin: germline.
Comment: This variant was observed in the ICSL laboratory as part of a predisposition screen in an ostensibly healthy population. It had not been previously curated by ICSL or reported in the Human Gene Mutation Database (HGMD: prior to June 1st, 2018), and was therefore a candidate for classification through an automated scoring system. Utilizing variant allele frequency, disease prevalence and penetrance estimates, and inheritance mode, an automated score was calculated to assess if this variant is too frequent to cause the disease. Based on the score and internal cut-off values, a variant classified as benign is not then subjected to further curation. The score for this variant resulted in a classification of benign for this disease.

Breakthrough Genomics
Classification: Benign. Review status: criteria provided, single submitter. Criteria: ACMG Guidelines, 2015. Collection method: not provided. Allele origin: germline. Inheritance: Autosomal recessive inheritance. Affected: yes.

Dr. Peter K. Rogan Lab, Western University
No classification provided (evidence only). Condition: Thyroid cancer, nonmedullary, 1. Review status: no classification provided. Collection method: in vitro. Allele origin: not applicable. Functional consequence: retained intron. Not counted in ClinVar's aggregate classification.

Dr. Peter K. Rogan Lab, Western University
No classification provided (evidence only). Condition: Hepatocellular carcinoma. Review status: no classification provided. Collection method: in vitro. Allele origin: not applicable. Functional consequence: retained intron. Not counted in ClinVar's aggregate classification.

Dr. Peter K. Rogan Lab, Western University
No classification provided (evidence only). Condition: Uterine carcinosarcoma. Review status: no classification provided. Collection method: in vitro. Allele origin: not applicable. Functional consequence: retained intron. Not counted in ClinVar's aggregate classification.

NM_001034850.3(RETREG1):c.*206A>C

Gene: RETREG1 (reticulophagy regulator 1; minus strand). Cytogenetic location: 5p15.1.
Variant type: single nucleotide variant.
Coding change: c.*206A>C on transcript NM_001034850.3 (MANE Select); 206 bases downstream of the stop codon, A replaced by C.
Molecular consequence: 3 prime UTR variant.
Genome position (GRCh38, 1-based): chr5:16,474,535, T>G on the plus strand (A>C on the coding strand, the complement: RETREG1 is on the minus strand). VCF-style: chr5-16474535-T-G. GRCh37 (hg19) VCF-style: chr5-16474644-T-G.
Other names: NC_000005.9:g.16474644T>G; c.*206A>C (NM_019000.5).
Identifiers: ClinVar variation 352681 (VCV000352681.10), dbSNP rs32147, ClinGen allele CA10623956.